The following is an entry in ClinVar:

ClinVar aggregate classification (germline): Uncertain significance (1 of 4 stars; one submission).

Conditions:
Inborn genetic diseases. Identifiers: MedGen C0950123, MeSH D030342.

Submission:

Ambry Genetics
Classification: Uncertain significance for Inborn genetic diseases. Last evaluated: 2024-09-19. Review status: criteria provided, single submitter. Criteria: Ambry Variant Classification Scheme 2023. Collection method: clinical testing. Allele origin: germline.
Comment: The p.G246V variant (also known as c.737G>T), located in coding exon 6 of the BUB1B gene, results from a G to T substitution at nucleotide position 737. The glycine at codon 246 is replaced by valine, an amino acid with dissimilar properties. This amino acid position is conserved. In addition, the in silico prediction for this alteration is inconclusive. Based on the available evidence, the clinical significance of this variant remains unclear.

NM_001211.6(BUB1B):c.737G>T (p.Gly246Val)

Gene: BUB1B (BUB1 mitotic checkpoint serine/threonine kinase B; plus strand). Cytogenetic location: 15q15.1.
Variant type: single nucleotide variant.
Coding change: c.737G>T on transcript NM_001211.6 (MANE Select); coding-DNA position 737, G replaced by T.
Protein change: p.Gly246Val; replaces glycine 246 with valine.
Molecular consequence: missense variant.
Genome position (GRCh38, 1-based): chr15:40,183,869, G>T. VCF-style: chr15-40183869-G-T. GRCh37 (hg19) VCF-style: chr15-40476070-G-T.
Other names: short protein forms G246V.
Identifiers: ClinVar variation 3483116 (VCV003483116.1).